The following is an entry in ClinVar:

ClinVar aggregate classification (germline): Uncertain significance (1 of 4 stars; one submission).

Conditions:
Myasthenic syndrome, congenital, 22 (CMS22). Also called: PREPL DEFICIENCY. Identifiers: MedGen C4479088, MONDO:0044299, OMIM 616224.

Allele frequency attached by ClinVar (database versions not stated): gnomAD exomes below 0.00001.
gnomAD v4.1: 1 of 1,613,030 alleles (0.000062%); highest among the groups gnomAD compares: Admixed American, 0.0017%; no homozygotes.

Submission:

Labcorp Genetics (formerly Invitae), Labcorp
Classification: Uncertain significance for Myasthenic syndrome, congenital, 22. Last evaluated: 2020-12-15. Review status: criteria provided, single submitter. Criteria: Invitae Variant Classification Sherloc (09022015). Collection method: clinical testing. Allele origin: germline.
Comment: In summary, the available evidence is currently insufficient to determine the role of this variant in disease. Therefore, it has been classified as a Variant of Uncertain Significance. Algorithms developed to predict the effect of missense changes on protein structure and function are either unavailable or do not agree on the potential impact of this missense change (SIFT: "Deleterious"; PolyPhen-2: "Probably Damaging"; Align-GVGD: "Class C0"). This variant has not been reported in the literature in individuals with PREPL-related conditions. This variant is not present in population databases (ExAC no frequency). This sequence change replaces aspartic acid with histidine at codon 713 of the PREPL protein (p.Asp713His). The aspartic acid residue is moderately conserved and there is a moderate physicochemical difference between aspartic acid and histidine.

NM_001171613.2(PREPL):c.1870G>C (p.Asp624His)

Genes: PREPL (prolyl endopeptidase like; minus strand), SLC3A1 (solute carrier family 3 member 1; plus strand). Cytogenetic location: 2p21.
Variant type: single nucleotide variant.
Coding change: c.1870G>C on transcript NM_001171613.2 (MANE Select); coding-DNA position 1870, G replaced by C.
Protein change: p.Asp624His; replaces aspartic acid 624 with histidine.
Molecular consequence: missense variant. On other transcripts: 3 prime UTR variant (1).
Genome position (GRCh38, 1-based): chr2:44,321,403, C>G on the plus strand (G>C on the coding strand, the complement: PREPL is on the minus strand). VCF-style: chr2-44321403-C-G. GRCh37 (hg19) VCF-style: chr2-44548542-C-G.
Other names: c.*764C>G (NM_000341.4); c.1951G>C, p.Asp651His (NM_001042385.2); c.1939G>C, p.Asp647His (NM_001042386.2); c.2137G>C, p.Asp713His (NM_001171603.1, NM_001171606.2, NM_001374275.1 and 2 more transcripts); c.1870G>C, p.Asp624His (NM_001171617.1, NM_001374277.1); short protein forms D624H, D651H, D713H, D647H.
Identifiers: ClinVar variation 1447272 (VCV001447272.8), dbSNP rs969589260, ClinGen allele CA46523442.